The following is an entry in ClinVar:

ClinVar aggregate classification (germline): Likely benign. Review status: criteria provided, multiple submitters, no conflicts (2 of 4 stars). 2 submissions from 2 submitters: Likely benign (2). Last evaluated 2018-01-12.

Conditions:
Xeroderma pigmentosum, group C (XPC). Also called: Xeroderma pigmentosum, complementation group C; XERODERMA PIGMENTOSUM III; XP, GROUP C; XPC-Related Xeroderma Pigmentosum. Identifiers: Orphanet 910, MedGen C2752147, MONDO:0010211, OMIM 278720.

Allele frequency attached by ClinVar (database versions not stated): gnomAD 0.00052 and 0.00051; gnomAD exomes 0.00135; TOPMed 0.00051; ExAC 0.00102.

Submissions (2):

Illumina Laboratory Services, Illumina
Classification: Likely benign for Xeroderma pigmentosum, group C. Last evaluated: 2018-01-12. Review status: criteria provided, single submitter. Criteria: ICSL Variant Classification Criteria 13 December 2019. Collection method: clinical testing. Allele origin: germline.
Comment: This variant was observed in the ICSL laboratory as part of a predisposition screen in an ostensibly healthy population. It had not been previously curated by ICSL or reported in the Human Gene Mutation Database (HGMD: prior to June 1st, 2018), and was therefore a candidate for classification through an automated scoring system. Utilizing variant allele frequency, disease prevalence and penetrance estimates, and inheritance mode, an automated score was calculated to assess if this variant is too frequent to cause the disease. Based on the score and internal cut-off values, a variant classified as likely benign is not then subjected to further curation. The score for this variant resulted in a classification of likely benign for this disease.

Breakthrough Genomics
Classification: Likely benign. Review status: criteria provided, single submitter. Criteria: ACMG Guidelines, 2015. Collection method: not provided. Allele origin: germline. Inheritance: Autosomal recessive inheritance. Affected: yes.

NM_004628.4(XPC):c.-58C>T

Genes: XPC (XPC complex subunit, DNA damage recognition and repair factor; minus strand), LOC129936244 (ATAC-STARR-seq lymphoblastoid active region 19500; plus strand). Cytogenetic location: 3p25.1.
Variant type: single nucleotide variant.
Coding change: c.-58C>T on transcript NM_004628.4; 58 bases upstream of the start codon, C replaced by T.
Genome position (GRCh38, 1-based): chr3:14,178,626, G>A on the plus strand (C>T on the coding strand, the complement: XPC is on the minus strand). VCF-style: chr3-14178626-G-A. GRCh37 (hg19) VCF-style: chr3-14220126-G-A.
Identifiers: ClinVar variation 343590 (VCV000343590.8), dbSNP rs573720507, ClinGen allele CA2267891.